The following is an entry in ClinVar:

ClinVar aggregate classification (germline): Uncertain significance. Review status: criteria provided, multiple submitters, no conflicts (2 of 4 stars). 2 submissions from 2 submitters: Uncertain significance (2). Last evaluated 2021-09-21.

Conditions:
Joubert syndrome 17 (JBTS17). Identifiers: Orphanet 475, MedGen C3553264, MONDO:0013824, OMIM 614615.
Orofaciodigital syndrome type 6 (OFD6). Also called: OROFACIODIGITAL SYNDROME VI; OFDS VI; POLYDACTYLY, CLEFT LIP/PALATE OR LINGUAL LUMP, AND PSYCHOMOTOR RETARDATION; VARADI SYNDROME; VARADI-PAPP SYNDROME; Oral-facial-digital syndrome type 6. Identifiers: Orphanet 2754, MedGen C2745997, MONDO:0010176, OMIM 277170.

Allele frequency attached by ClinVar (database versions not stated): ExAC 0.00001; gnomAD exomes 0.00001; TOPMed 0.00001; ESP Exome Variant Server 0.00008.
gnomAD v4.1: 8 of 1,611,290 alleles (0.0005%); highest among the groups gnomAD compares: South Asian, 0.0011%; no homozygotes.

Submissions (2):

Labcorp Genetics (formerly Invitae), Labcorp
Classification: Uncertain significance. Last evaluated: 2021-09-21. Review status: criteria provided, single submitter. Criteria: Invitae Variant Classification Sherloc (09022015). Collection method: clinical testing. Allele origin: germline.
Comment: This sequence change replaces glutamic acid with lysine at codon 3178 of the CPLANE1 protein (p.Glu3178Lys). The glutamic acid residue is highly conserved and there is a small physicochemical difference between glutamic acid and lysine. This variant is present in population databases (rs372215544, ExAC 0.002%). In summary, the available evidence is currently insufficient to determine the role of this variant in disease. Therefore, it has been classified as a Variant of Uncertain Significance. Advanced modeling of protein sequence and biophysical properties (such as structural, functional, and spatial information, amino acid conservation, physicochemical variation, residue mobility, and thermodynamic stability) performed at Invitae indicates that this missense variant is not expected to disrupt CPLANE1 protein function. This variant has not been reported in the literature in individuals affected with CPLANE1-related conditions.

Fulgent Genetics
Classification: Uncertain significance for Orofaciodigital syndrome type 6; Joubert syndrome 17. Last evaluated: 2021-09-07. Review status: criteria provided, single submitter. Criteria: ACMG Guidelines, 2015. Collection method: clinical testing. Allele origin: unknown.

NM_001384732.1(CPLANE1):c.9694G>A (p.Glu3232Lys)

Gene: CPLANE1 (ciliogenesis and planar polarity effector complex subunit 1; minus strand). Cytogenetic location: 5p13.2.
Variant type: single nucleotide variant.
Coding change: c.9694G>A on transcript NM_001384732.1 (MANE Select); coding-DNA position 9694, G replaced by A.
Protein change: p.Glu3232Lys; replaces glutamic acid 3232 with lysine.
Molecular consequence: missense variant.
Genome position (GRCh38, 1-based): chr5:37,107,664, C>T on the plus strand (G>A on the coding strand, the complement: CPLANE1 is on the minus strand). VCF-style: chr5-37107664-C-T. GRCh37 (hg19) VCF-style: chr5-37107766-C-T.
Other names: c.9532G>A, p.Glu3178Lys (NM_023073.4); short protein forms E3178K, E3232K.
Identifiers: ClinVar variation 1407919 (VCV001407919.7), dbSNP rs372215544, ClinGen allele CA3237397.